The following is an entry in ClinVar:

NM_004393.6(DAG1):c.32T>C (p.Leu11Pro)

Gene: DAG1 (dystroglycan 1; plus strand). Cytogenetic location: 3p21.31.
Variant type: single nucleotide variant.
Coding change: c.32T>C on transcript NM_004393.6 (MANE Select); coding-DNA position 32, T replaced by C.
Protein change: p.Leu11Pro; replaces leucine 11 with proline.
Molecular consequence: missense variant.
Genome position (GRCh38, 1-based): chr3:49,510,566, T>C. VCF-style: chr3-49510566-T-C. GRCh37 (hg19) VCF-style: chr3-49547999-T-C.
Other names: c.32T>C, p.Leu11Pro (NM_001165928.4, NM_001177634.3, NM_001177635.3 and 9 more transcripts); short protein forms L11P.
Identifiers: ClinVar variation 2420332 (VCV002420332.5), dbSNP rs2050734957, ClinGen allele CA352799992.

ClinVar aggregate classification (germline): Uncertain significance (1 of 4 stars; one submission).

Conditions:
Autosomal recessive limb-girdle muscular dystrophy type 2P. Also called: MUSCULAR DYSTROPHY-DYSTROGLYCANOPATHY, LIMB-GIRDLE, DAG1-RELATED; Limb-Girdle Muscular Dystrophy Type 9C; MUSCULAR DYSTROPHY, LIMB-GIRDLE, TYPE 2P. Identifiers: Orphanet 280333, MedGen C4511963, MONDO:0013440, OMIM 613818.
Muscular dystrophy-dystroglycanopathy (congenital with brain and eye anomalies), type A9. Also called: WALKER-WARBURG SYNDROME OR MUSCLE-EYE BRAIN DISEASE, DAG1-RELATED; Muscular dystrophy-dystroglycanopathy (congenital with brain and eye anomalies), type a, 9. Identifiers: Orphanet 370997, Orphanet 899, MedGen C4225291, MONDO:0014683, OMIM 616538.

Allele frequency attached by ClinVar (database versions not stated): gnomAD exomes below 0.00001.
gnomAD v4.1: 6 of 1,613,936 alleles (0.00037%); highest among the groups gnomAD compares: Non-Finnish European, 0.00051%; no homozygotes.

Submission:

Labcorp Genetics (formerly Invitae), Labcorp
Classification: Uncertain significance for Autosomal recessive limb-girdle muscular dystrophy type 2P; Muscular dystrophy-dystroglycanopathy (congenital with brain and eye anomalies), type A9. Last evaluated: 2024-04-05. Review status: criteria provided, single submitter. Criteria: Invitae Variant Classification Sherloc (09022015). Collection method: clinical testing. Allele origin: germline.
Comment: This sequence change replaces leucine, which is neutral and non-polar, with proline, which is neutral and non-polar, at codon 11 of the DAG1 protein (p.Leu11Pro). This variant is not present in population databases (gnomAD no frequency). This variant has not been reported in the literature in individuals affected with DAG1-related conditions. ClinVar contains an entry for this variant (Variation ID: 2420332). Algorithms developed to predict the effect of missense changes on protein structure and function output the following: SIFT: "Not Available"; PolyPhen-2: "Benign"; Align-GVGD: "Not Available". The proline amino acid residue is found in multiple mammalian species, which suggests that this missense change does not adversely affect protein function. In summary, the available evidence is currently insufficient to determine the role of this variant in disease. Therefore, it has been classified as a Variant of Uncertain Significance.